The following is an entry in ClinVar:

ClinVar aggregate classification (germline): Pathogenic (1 of 4 stars; one submission).

Conditions:
Birt-Hogg-Dube syndrome. Also called: Birt Hogg Dubé syndrome. Identifiers: Orphanet 122, MedGen C0346010, MONDO:0800444.

Submission:

Labcorp Genetics (formerly Invitae), Labcorp
Classification: Pathogenic for Birt-Hogg-Dube syndrome. Last evaluated: 2021-07-06. Review status: criteria provided, single submitter. Criteria: Invitae Variant Classification Sherloc (09022015). Collection method: clinical testing. Allele origin: germline.
Comment: For these reasons, this variant has been classified as Pathogenic. This variant has not been reported in the literature in individuals with FLCN-related conditions. This variant is a gross deletion of the genomic region encompassing exon(s) 7 of the FLCN gene. This deletion is out-of-frame, and is expected to create a premature translational stop signal and result in an absent or disrupted protein product. Loss-of-function variants in FLCN are known to be pathogenic (PMID: 15852235).

Literature cited by the submitters: PubMed 15852235.

NC_000017.10:g.(?_17125805)_(17125985_?)del

Gene: FLCN (folliculin; minus strand). Cytogenetic location: 17p11.2.
Variant type: Deletion.
Identifiers: ClinVar variation 1460295 (VCV001460295.8).